The following is an entry in ClinVar:

ClinVar aggregate classification (germline): Uncertain significance (1 of 4 stars; one submission).

Allele frequency attached by ClinVar (database versions not stated): TOPMed below 0.00001; gnomAD 0.00001; gnomAD exomes 0.00001.
gnomAD v4.1: 6 of 1,614,026 alleles (0.00037%); highest among the groups gnomAD compares: Non-Finnish European, 0.00051%; no homozygotes.

Submission:

Labcorp Genetics (formerly Invitae), Labcorp
Classification: Uncertain significance. Last evaluated: 2021-10-27. Review status: criteria provided, single submitter. Criteria: Invitae Variant Classification Sherloc (09022015). Collection method: clinical testing. Allele origin: germline.
Comment: In summary, the available evidence is currently insufficient to determine the role of this variant in disease. Therefore, it has been classified as a Variant of Uncertain Significance. Algorithms developed to predict the effect of missense changes on protein structure and function are either unavailable or do not agree on the potential impact of this missense change (SIFT: "Deleterious"; PolyPhen-2: "Not Available"; Align-GVGD: "Class C35"). This variant has not been reported in the literature in individuals affected with CIB1-related conditions. This variant is not present in population databases (gnomAD no frequency). This sequence change replaces asparagine, which is neutral and polar, with lysine, which is basic and polar, at codon 209 of the CIB1 protein (p.Asn209Lys).

NM_006384.4(CIB1):c.507C>A (p.Asn169Lys)

Gene: CIB1 (calcium and integrin binding 1; minus strand). Cytogenetic location: 15q26.1.
Variant type: single nucleotide variant.
Coding change: c.507C>A on transcript NM_006384.4 (MANE Select); coding-DNA position 507, C replaced by A.
Protein change: p.Asn169Lys; replaces asparagine 169 with lysine.
Molecular consequence: missense variant. On other transcripts: non-coding transcript variant (2).
Genome position (GRCh38, 1-based): chr15:90,230,981, G>T on the plus strand (C>A on the coding strand, the complement: CIB1 is on the minus strand). VCF-style: chr15-90230981-G-T. GRCh37 (hg19) VCF-style: chr15-90774213-G-T.
Other names: c.627C>A, p.Asn209Lys (NM_001277764.2); short protein forms N209K, N169K.
Identifiers: ClinVar variation 1450615 (VCV001450615.6), dbSNP rs1962466963, ClinGen allele CA393813656.